The following is an entry in ClinVar:

ClinVar aggregate classification (germline): Uncertain significance. Review status: criteria provided, multiple submitters, no conflicts (2 of 4 stars). 5 submissions from 5 submitters: Uncertain significance (4). 1 of the submissions does not count toward it. Last evaluated 2024-12-09.

Conditions:
SDCCAG8-related disorder. Also called: SDCCAG8-Related Disorders; SDCCAG8-related condition.
Bardet-Biedl syndrome 16 (BBS16). Identifiers: Orphanet 110, MedGen C3889474, MONDO:0014444, OMIM 615993.
Senior-Loken syndrome 7 (SLSN7). Identifiers: Orphanet 3156, MedGen C3150877, MONDO:0013326, OMIM 613615.

Allele frequency attached by ClinVar (database versions not stated): gnomAD exomes below 0.00001 and 0.00002; gnomAD 0.00005; TOPMed 0.00018.
gnomAD v4.1: 27 of 1,614,192 alleles (0.0017%); highest among the groups gnomAD compares: Admixed American, 0.025%; 1 homozygote.

Submissions (5):

GeneDx
Classification: Uncertain significance. Last evaluated: 2024-12-09. Review status: criteria provided, single submitter. Criteria: GeneDx Variant Classification Process June 2021. Collection method: clinical testing. Allele origin: germline. Affected: yes.
Comment: Not observed at significant frequency in large population cohorts (gnomAD); In silico analysis indicates that this missense variant does not alter protein structure/function; Has not been previously published as pathogenic or benign to our knowledge

Labcorp Genetics (formerly Invitae), Labcorp
Classification: Uncertain significance for Bardet-Biedl syndrome 16; Senior-Loken syndrome 7. Last evaluated: 2024-12-02. Review status: criteria provided, single submitter. Criteria: Invitae Variant Classification Sherloc (09022015). Collection method: clinical testing. Allele origin: germline.
Comment: This sequence change replaces arginine, which is basic and polar, with lysine, which is basic and polar, at codon 323 of the SDCCAG8 protein (p.Arg323Lys). This variant is present in population databases (rs576672580, gnomAD 0.003%). This variant has not been reported in the literature in individuals affected with SDCCAG8-related conditions. ClinVar contains an entry for this variant (Variation ID: 964740). Invitae Evidence Modeling of protein sequence and biophysical properties (such as structural, functional, and spatial information, amino acid conservation, physicochemical variation, residue mobility, and thermodynamic stability) indicates that this missense variant is not expected to disrupt SDCCAG8 protein function with a negative predictive value of 80%. In summary, the available evidence is currently insufficient to determine the role of this variant in disease. Therefore, it has been classified as a Variant of Uncertain Significance.

Fulgent Genetics
Classification: Uncertain significance for Senior-Loken syndrome 7; Bardet-Biedl syndrome 16. Last evaluated: 2024-05-02. Review status: criteria provided, single submitter. Criteria: ACMG Guidelines, 2015. Collection method: clinical testing. Allele origin: germline.

Blueprint Genetics
Classification: Uncertain significance. Last evaluated: 2022-09-09. Review status: criteria provided, single submitter. Criteria: ACMG Guidelines, 2015. Collection method: clinical testing. Allele origin: germline.

PreventionGenetics, part of Exact Sciences
Classification: Uncertain significance for SDCCAG8-related condition. Last evaluated: 2024-07-08. Review status: no assertion criteria provided. Collection method: clinical testing. Allele origin: germline. Not counted in ClinVar's aggregate classification.
Comment: The SDCCAG8 c.968G>A variant is predicted to result in the amino acid substitution p.Arg323Lys. This variant was previously reported as an additional variant in an individual with retinitis pigmentosa; however, no other clinical information was available (Costa et al. 2017. PubMed ID: 28912962). This variant is reported in 0.0029% of alleles in individuals of Latino descent in gnomAD. At this time, the clinical significance of this variant is uncertain due to the absence of conclusive functional and genetic evidence.

NM_006642.5(SDCCAG8):c.968G>A (p.Arg323Lys)

Gene: SDCCAG8 (SHH signaling and ciliogenesis regulator SDCCAG8; plus strand). Cytogenetic location: 1q43.
Variant type: single nucleotide variant.
Coding change: c.968G>A on transcript NM_006642.5 (MANE Select); coding-DNA position 968, G replaced by A.
Protein change: p.Arg323Lys; replaces arginine 323 with lysine.
Molecular consequence: missense variant.
Genome position (GRCh38, 1-based): chr1:243,316,793, G>A. VCF-style: chr1-243316793-G-A. GRCh37 (hg19) VCF-style: chr1-243480095-G-A.
Other names: c.65G>A, p.Arg22Lys (NM_001350246.2, NM_001350247.2, NM_001350251.2); c.1064G>A, p.Arg355Lys (NM_001350248.2); c.674G>A, p.Arg225Lys (NM_001350249.2); short protein forms R22K, R323K, R355K, R225K.
Identifiers: ClinVar variation 964740 (VCV000964740.11), dbSNP rs576672580, ClinGen allele CA40436442.